The following is an entry in ClinVar:

ClinVar aggregate classification (germline): Uncertain significance. Review status: criteria provided, multiple submitters, no conflicts (2 of 4 stars). 2 submissions from 2 submitters: Uncertain significance (2). Last evaluated 2025-08-07.

Conditions:
Hereditary cancer-predisposing syndrome. Also called: Hereditary Cancer Syndrome; Neoplastic Syndromes, Hereditary; Tumor predisposition; Hereditary neoplastic syndrome. Identifiers: Orphanet 140162, MedGen C0027672, MeSH D009386, MONDO:0015356.

Allele frequency attached by ClinVar (database versions not stated): gnomAD exomes below 0.00001; TOPMed below 0.00001; gnomAD 0.00001.
gnomAD v4.1: 3 of 1,601,034 alleles (0.00019%); highest among the groups gnomAD compares: Non-Finnish European, 0.00026%; no homozygotes.

Submissions (2):

Labcorp Genetics (formerly Invitae), Labcorp
Classification: Uncertain significance for Hereditary cancer-predisposing syndrome. Last evaluated: 2025-08-07. Review status: criteria provided, single submitter. Criteria: Invitae Variant Classification Sherloc (09022015). Collection method: clinical testing. Allele origin: germline.
Comment: This sequence change replaces isoleucine, which is neutral and non-polar, with asparagine, which is neutral and polar, at codon 82 of the RAD50 protein (p.Ile82Asn). This variant is not present in population databases (gnomAD no frequency). This missense change has been observed in individual(s) with breast cancer (PMID: 25452441). ClinVar contains an entry for this variant (Variation ID: 480442). Invitae Evidence Modeling of protein sequence and biophysical properties (such as structural, functional, and spatial information, amino acid conservation, physicochemical variation, residue mobility, and thermodynamic stability) indicates that this missense variant is expected to disrupt RAD50 protein function with a positive predictive value of 80%. In summary, the available evidence is currently insufficient to determine the role of this variant in disease. Therefore, it has been classified as a Variant of Uncertain Significance.

Ambry Genetics
Classification: Uncertain significance for Hereditary cancer-predisposing syndrome. Last evaluated: 2023-10-06. Review status: criteria provided, single submitter. Criteria: Ambry Variant Classification Scheme 2023. Collection method: clinical testing. Allele origin: germline.
Comment: The p.I82N variant (also known as c.245T>A), located in coding exon 3 of the RAD50 gene, results from a T to A substitution at nucleotide position 245. The isoleucine at codon 82 is replaced by asparagine, an amino acid with dissimilar properties. This alteration has been detected in 1/1824 patients with triple negative breast cancer who were unselected for a family history of breast or ovarian cancer (Couch FJ et al. J. Clin. Oncol., 2015 Feb;33:304-11). This amino acid position is highly conserved in available vertebrate species. In addition, the in silico prediction for this alteration is inconclusive. Since supporting evidence is limited at this time, the clinical significance of this alteration remains unclear.

Literature cited by the submitters: PubMed 25452441 (cited by Labcorp Genetics (formerly Invitae), Labcorp and Ambry Genetics).

NM_005732.4(RAD50):c.245T>A (p.Ile82Asn)

Gene: RAD50 (RAD50 double strand break repair protein; plus strand). Cytogenetic location: 5q31.1.
Variant type: single nucleotide variant.
Coding change: c.245T>A on transcript NM_005732.4 (MANE Select); coding-DNA position 245, T replaced by A.
Protein change: p.Ile82Asn; replaces isoleucine 82 with asparagine.
Molecular consequence: missense variant.
Genome position (GRCh38, 1-based): chr5:132,575,808, T>A. VCF-style: chr5-132575808-T-A. GRCh37 (hg19) VCF-style: chr5-131911500-T-A.
Other names: short protein forms I82N.
Identifiers: ClinVar variation 480442 (VCV000480442.16), dbSNP rs1485006175, ClinGen allele CA360930442.
Genomic context (GRCh38, chr5:132,575,808, plus strand): 5'-ATAAGTTTTTTCTGTGTTTTCCTTCAAAGGTTGCTCAAGAAACAGATGTGAGAGCCCAGA[T>A]TCGTCTGCAATTTCGTGATGTCAATGGAGAACTTATAGCTGTGCAAAGATCTATGGTGTG-3'
Protein context (NP_005723.2, residues 72-92): VAQETDVRAQ[Ile82Asn]RLQFRDVNGE